The following is an entry in ClinVar:

NM_000233.4(LHCGR):c.1691A>G (p.Asp564Gly)

Genes: LHCGR (luteinizing hormone/choriogonadotropin receptor; minus strand), STON1-GTF2A1L (STON1-GTF2A1L readthrough; plus strand). Cytogenetic location: 2p16.3.
Variant type: single nucleotide variant.
Coding change: c.1691A>G on transcript NM_000233.4 (MANE Select); coding-DNA position 1691, A replaced by G.
Protein change: p.Asp564Gly; replaces aspartic acid 564 with glycine.
Molecular consequence: missense variant. On other transcripts: intron variant (1).
Genome position (GRCh38, 1-based): chr2:48,688,106, T>C on the plus strand (A>G on the coding strand, the complement: LHCGR is on the minus strand). VCF-style: chr2-48688106-T-C. GRCh37 (hg19) VCF-style: chr2-48915245-T-C.
Other names: c.3441+16426T>C (NM_001198593.2); short protein forms D564G.
Identifiers: ClinVar variation 14412 (VCV000014412.10), dbSNP rs121912540, ClinGen allele CA123935.
Genomic context (GRCh38, chr2:48,688,106, plus strand): 5'-GGTGCCATGCAGGTGAAATCGGTGAAGATGAGGATTGCCATTTTCTTAGCAATCTTTGTA[T>C]CTTTATTGGTAGCCATTAATTCTGGGTTTCGAACTGCAAAATAAATTTTAATGTAGCAAG-3'
Protein context (NP_000224.2, residues 554-574): RNPELMATNK[Asp564Gly]TKIAKKMAIL

ClinVar aggregate classification (germline): Pathogenic. Review status: criteria provided, multiple submitters, no conflicts (2 of 4 stars). 5 submissions from 5 submitters: Pathogenic (4). 1 of the submissions does not count toward it. Last evaluated 2025-11-09.

Conditions:
Gonadotropin-independent familial sexual precocity. Also called: TESTOTOXICOSIS, FAMILIAL; Familial male-limited precocious puberty. Identifiers: Orphanet 3000, MedGen C0342549, MONDO:0008303, OMIM 176410.

Submissions (5):

Labcorp Genetics (formerly Invitae), Labcorp
Classification: Pathogenic. Last evaluated: 2025-11-09. Review status: criteria provided, single submitter. Criteria: Invitae Variant Classification Sherloc (09022015). Collection method: clinical testing. Allele origin: germline.
Comment: This sequence change replaces aspartic acid, which is acidic and polar, with glycine, which is neutral and non-polar, at codon 564 of the LHCGR protein (p.Asp564Gly). This variant is not present in population databases (gnomAD no frequency). This missense change has been observed in individuals with clinical features of autosomal dominant familial male-limited precocious puberty (PMID: 7892197, 10084607, 16887451; internal data). It has also been observed to segregate with disease in related individuals. ClinVar contains an entry for this variant (Variation ID: 14412). Invitae Evidence Modeling of protein sequence and biophysical properties (such as structural, functional, and spatial information, amino acid conservation, physicochemical variation, residue mobility, and thermodynamic stability) indicates that this missense variant is expected to disrupt LHCGR protein function with a positive predictive value of 80%. Experimental studies have shown that this missense change affects LHCGR function (PMID: 7892197, 11867621). For these reasons, this variant has been classified as Pathogenic.

3billion
Classification: Pathogenic for Gonadotropin-independent familial sexual precocity. Last evaluated: 2023-12-03. Review status: criteria provided, single submitter. Criteria: ACMG Guidelines, 2015. Collection method: clinical testing. Allele origin: germline. Affected: yes.
Comment: The variant is not observed in the gnomAD v2.1.1 dataset. Predicted Consequence/Location: Missense variant In silico tool predictions suggest damaging effect of the variant on gene or gene product [REVEL: 0.84 (>=0.6, sensitivity 0.68 and specificity 0.92); 3Cnet: 0.91 (>=0.6, sensitivity 0.72 and precision 0.9)]. Same nucleotide change resulting in same amino acid change has been previously reported as pathogenic/likely pathogenic with strong evidence (ClinVar ID: VCV000014412 /PMID: 7892197 /3billion dataset). The variant has been reported to co-segregate with the disease in at least 5 similarly affected relatives/individuals in the same family or similarly affected unrelated families (PMID: 16887451). A different missense change at the same codon (p.Asp564Val) has been reported to be associated with LHCGR-related disorder (ClinVar ID: VCV001458111 /PMID: 15719037). Therefore, this variant is classified as Pathogenic according to the recommendation of ACMG/AMP guideline.

Athena Diagnostics
Classification: Pathogenic. Last evaluated: 2020-09-28. Review status: criteria provided, single submitter. Criteria: Athena Diagnostics criteria. Collection method: clinical testing. Allele origin: unknown.
Comment: This variant was not reported in large, multi-ethnic, general populations. This variant appears to segregate with disease in at least one family, however, the available information does not rule out segregation due to chance. Assessment of experimental evidence suggests this variant results in abnormal protein function. Study showed increased basal cAMP accumulation (PMID:7892197). Computational tools predict that this variant is damaging.

Clinical Molecular Genetics Laboratory, Johns Hopkins All Children's Hospital
Classification: Pathogenic for Gonadotropin-independent familial sexual precocity. Last evaluated: 2018-08-07. Review status: criteria provided, single submitter. Criteria: ACMG Guidelines, 2015. Collection method: clinical testing. Allele origin: germline. Inheritance: Autosomal dominant inheritance. Affected: yes. Observed: 1 variant allele, 1 heterozygote.

OMIM
Classification: Pathogenic for PRECOCIOUS PUBERTY, MALE-LIMITED. Last evaluated: 2001-06-01. Review status: no assertion criteria provided. Collection method: literature only. Allele origin: germline. Not counted in ClinVar's aggregate classification.

Literature cited by the submitters: PubMed 7892197 (cited by 3 submitters); PubMed 10084607 (cited by Labcorp Genetics (formerly Invitae), Labcorp and Athena Diagnostics); PubMed 16887451 (cited by 3 submitters); PubMed 11867621 (cited by Labcorp Genetics (formerly Invitae), Labcorp); PubMed 15719037 (cited by 3billion); PubMed 11391350 (cited by Athena Diagnostics and OMIM); PubMed 27532428 (cited by Athena Diagnostics); PubMed 23686864 (cited by Athena Diagnostics); PubMed 23861372 (cited by Athena Diagnostics).